The following is an entry in ClinVar:

ClinVar aggregate classification (germline): Benign. Review status: criteria provided, multiple submitters, no conflicts (2 of 4 stars). 7 submissions from 6 submitters: Benign (7). Last evaluated 2026-02-04.

Conditions:
Autosomal recessive nonsyndromic hearing loss 21. Identifiers: Orphanet 90636, MedGen C1863655, MONDO:0011351, OMIM 603629.
Autosomal dominant nonsyndromic hearing loss 12. Also called: DEAFNESS, AUTOSOMAL DOMINANT 8. Identifiers: Orphanet 90635, MedGen C1832187, MONDO:0011102, OMIM 601543.

Allele frequency attached by ClinVar (database versions not stated): ExAC 0.18821; 1000 Genomes Project 0.21246; 1000 Genomes Project 30x 0.22439; gnomAD 0.25260 and 0.26144; TOPMed 0.25612; ESP Exome Variant Server 0.25804.
gnomAD v4.1: 331,160 of 1,602,936 alleles (21%); highest among the groups gnomAD compares: African/African-American, 43%; 38,125 homozygotes.

Submissions (7):

Labcorp Genetics (formerly Invitae), Labcorp
Classification: Benign. Last evaluated: 2026-02-04. Review status: criteria provided, single submitter. Criteria: Invitae Variant Classification Sherloc (09022015). Collection method: clinical testing. Allele origin: germline.

GeneDx
Classification: Benign. Last evaluated: 2018-06-22. Review status: criteria provided, single submitter. Criteria: GeneDx Variant Classification Process June 2021. Collection method: clinical testing. Allele origin: germline. Affected: yes.

Illumina Laboratory Services, Illumina
Classification: Benign for Autosomal dominant nonsyndromic hearing loss 12. Last evaluated: 2018-01-12. Review status: criteria provided, single submitter. Criteria: ICSL Variant Classification Criteria 13 December 2019. Collection method: clinical testing. Allele origin: germline.
Comment: This variant was observed in the ICSL laboratory as part of a predisposition screen in an ostensibly healthy population. It had not been previously curated by ICSL or reported in the Human Gene Mutation Database (HGMD: prior to June 1st, 2018), and was therefore a candidate for classification through an automated scoring system. Utilizing variant allele frequency, disease prevalence and penetrance estimates, and inheritance mode, an automated score was calculated to assess if this variant is too frequent to cause the disease. Based on the score and internal cut-off values, a variant classified as benign is not then subjected to further curation. The score for this variant resulted in a classification of benign for this disease.

Illumina Laboratory Services, Illumina
Classification: Benign for Autosomal recessive nonsyndromic hearing loss 21. Last evaluated: 2018-01-12. Review status: criteria provided, single submitter. Criteria: ICSL Variant Classification Criteria 13 December 2019. Collection method: clinical testing. Allele origin: germline.
Comment: the same text as in the submission from Illumina Laboratory Services, Illumina above.

Laboratory for Molecular Medicine, Mass General Brigham Personalized Medicine
Classification: Benign. Last evaluated: 2012-05-07. Review status: criteria provided, single submitter. Criteria: LMM Criteria. Collection method: clinical testing. Allele origin: germline. Observed: 542 variant alleles.
Comment: 4105+13C>T in Intron 11 of TECTA: This variant is not expected to have clinical significance because it is not located within the conserved splice consensus seq uence and has been identified in 39.1% (1443/3688) of African American chromosom es from a broad population by the NHLBI Exome Sequencing Project (.; dbSNP rs7130952).

Breakthrough Genomics
Classification: Benign. Review status: criteria provided, single submitter. Criteria: ACMG Guidelines, 2015. Collection method: not provided. Allele origin: germline. Inheritance: Autosomal recessive inheritance. Affected: yes.

PreventionGenetics, part of Exact Sciences
Classification: Benign. Review status: criteria provided, single submitter. Criteria: ACMG Guidelines, 2015. Collection method: clinical testing. Allele origin: germline.

NM_005422.4(TECTA):c.4105+13C>T

Genes: TECTA (tectorin alpha; plus strand), TBCEL-TECTA (TBCEL-TECTA readthrough; plus strand). Cytogenetic location: 11q23.3.
Variant type: single nucleotide variant.
Coding change: c.4105+13C>T on transcript NM_005422.4 (MANE Select); 13 bases into the intron after coding-DNA position 4105, C replaced by T.
Molecular consequence: intron variant.
Genome position (GRCh38, 1-based): chr11:121,146,129, C>T. VCF-style: chr11-121146129-C-T. GRCh37 (hg19) VCF-style: chr11-121016838-C-T.
Other names: c.5062+13C>T (NM_001378761.1).
Identifiers: ClinVar variation 45330 (VCV000045330.21), dbSNP rs7130952, ClinGen allele CA136050.